The following is an entry in ClinVar:

NM_000064.4(C3):c.3530A>C (p.Glu1177Ala)

Gene: C3 (complement C3; minus strand). Cytogenetic location: 19p13.3.
Variant type: single nucleotide variant.
Coding change: c.3530A>C on transcript NM_000064.4 (MANE Select); coding-DNA position 3530, A replaced by C.
Protein change: p.Glu1177Ala; replaces glutamic acid 1177 with alanine.
Molecular consequence: missense variant.
Genome position (GRCh38, 1-based): chr19:6,686,862, T>G on the plus strand (A>C on the coding strand, the complement: C3 is on the minus strand). VCF-style: chr19-6686862-T-G. GRCh37 (hg19) VCF-style: chr19-6686873-T-G.
Other names: short protein forms E1177A.
Identifiers: ClinVar variation 4280216 (VCV004280216.1).

ClinVar aggregate classification (germline): Uncertain significance (1 of 4 stars; one submission).

Conditions:
Complement component 3 deficiency. Identifiers: Orphanet 280133, MedGen C3151071, MONDO:0013417, OMIM 613779.
C3 glomerulonephritis. Also called: Nephropathy due to CFHR5 Deficiency; C3 GLOMERULOPATHY 3. Identifiers: Orphanet 329931, MedGen C4055342, MONDO:0013892, OMIM 614809.
Atypical hemolytic-uremic syndrome. Identifiers: Orphanet 2134, MedGen C2931788, MONDO:0016244.

Submission:

Genomenon, Inc
Classification: Uncertain significance for Complement component 3 deficiency; C3 glomerulonephritis; Atypical hemolytic-uremic syndrome. Last evaluated: 2025-09-30. Review status: criteria provided, single submitter. Criteria: Genomenon Sequence Variant Interpretation Standards. Collection method: curation. Allele origin: germline. Affected: no.
Comment: C3 p.Glu1177Ala (c.3530A>C) is a missense variant that changes the amino acid at residue 1177 from Glutamic acid to Alanine. This variant has been reported in the published literature (PMID:20951140). It is absent or not present at a significant frequency in gnomAD. In silico models agree that this variant is not damaging. In conclusion, we classify C3 p.Glu1177Ala (c.3530A>C) as a variant of unknown significance.

Literature cited by the submitters: PubMed 20951140.